The following is an entry in ClinVar:

NM_000218.3(KCNQ1):c.1656C>T (p.Leu552=)

Gene: KCNQ1 (potassium voltage-gated channel subfamily Q member 1; plus strand). Cytogenetic location: 11p15.5.
Variant type: single nucleotide variant.
Coding change: c.1656C>T on transcript NM_000218.3 (MANE Select); coding-DNA position 1656, C replaced by T.
Protein change: p.Leu552=; no amino-acid change (leucine 552 retained).
Molecular consequence: synonymous variant.
Genome position (GRCh38, 1-based): chr11:2,776,025, C>T. VCF-style: chr11-2776025-C-T. GRCh37 (hg19) VCF-style: chr11-2797255-C-T.
Other names: c.1560C>T, p.Leu520= (NM_001406836.1); c.1386C>T, p.Leu462= (NM_001406837.1); c.1116C>T, p.Leu372= (NM_001406838.1); c.1275C>T, p.Leu425= (NM_181798.2).
Identifiers: ClinVar variation 378019 (VCV000378019.14), dbSNP rs745675388, ClinGen allele CA031666.

ClinVar aggregate classification (germline): Likely benign. Review status: criteria provided, multiple submitters, no conflicts (2 of 4 stars). 4 submissions from 4 submitters: Likely benign (4). Last evaluated 2024-12-06.

Conditions:
Cardiovascular phenotype. Identifiers: MedGen CN230736.
Long QT syndrome (LQTS). Identifiers: MedGen C0023976, MeSH D008133, MONDO:0002442. Disease mechanism: loss of function. Inheritance: Various modes of inheritance.

Allele frequency attached by ClinVar (database versions not stated): gnomAD exomes 0.00001 and 0.00002; TOPMed 0.00002; gnomAD 0.00003; ExAC 0.00010.
gnomAD v4.1: 15 of 1,571,044 alleles (0.00095%); highest among the groups gnomAD compares: South Asian, 0.016%; no homozygotes.

Submissions (4):

Women's Health and Genetics/Laboratory Corporation of America, LabCorp
Classification: Likely benign. Last evaluated: 2024-12-06. Review status: criteria provided, single submitter. Criteria: LabCorp Variant Classification Summary - May 2015. Collection method: clinical testing. Allele origin: germline.

Labcorp Genetics (formerly Invitae), Labcorp
Classification: Likely benign for Long QT syndrome. Last evaluated: 2024-03-22. Review status: criteria provided, single submitter. Criteria: Invitae Variant Classification Sherloc (09022015). Collection method: clinical testing. Allele origin: germline.

Ambry Genetics
Classification: Likely benign for Cardiovascular phenotype. Last evaluated: 2020-05-29. Review status: criteria provided, single submitter. Criteria: Ambry Variant Classification Scheme 2023. Collection method: clinical testing. Allele origin: germline.

GeneDx
Classification: Likely benign. Last evaluated: 2016-10-10. Review status: criteria provided, single submitter. Criteria: GeneDx Variant Classification (06012015). Collection method: clinical testing. Allele origin: germline. Affected: yes.
Comment: This variant is considered likely benign or benign based on one or more of the following criteria: it is a conservative change, it occurs at a poorly conserved position in the protein, it is predicted to be benign by multiple in silico algorithms, and/or has population frequency not consistent with disease.

Literature cited by the submitters: PubMed 18651418 (cited by Women's Health and Genetics/Laboratory Corporation of America, LabCorp).